The following is an entry in ClinVar:

NM_001148.6(ANK2):c.11182G>C (p.Val3728Leu)

Gene: ANK2 (ankyrin 2; plus strand). Cytogenetic location: 4q26.
Variant type: single nucleotide variant.
Coding change: c.11182G>C on transcript NM_001148.6 (MANE Select); coding-DNA position 11182, G replaced by C.
Protein change: p.Val3728Leu; replaces valine 3728 with leucine.
Molecular consequence: missense variant.
Genome position (GRCh38, 1-based): chr4:113,367,715, G>C. VCF-style: chr4-113367715-G-C. GRCh37 (hg19) VCF-style: chr4-114288871-G-C.
Other names: c.4753G>C, p.Val1585Leu (NM_001386147.1); c.4912G>C, p.Val1638Leu (NM_001386148.2, NM_001386186.2); c.4708G>C, p.Val1570Leu (NM_001386149.1, NM_001386150.1, NM_001386153.1 and 1 more transcripts); c.4642G>C, p.Val1548Leu (NM_001386151.1, NM_001354260.2, NM_001354271.2); c.4984G>C, p.Val1662Leu (NM_001386152.1); c.4693G>C, p.Val1565Leu (NM_001386154.1, NM_001354274.2); c.4666G>C, p.Val1556Leu (NM_001386156.1, NM_001354257.2); c.4543G>C, p.Val1515Leu (NM_001386157.1, NM_001354277.2); and 35 more; short protein forms V1482L, V1515L, V1565L, V1572L, V1588L, V1589L, V1626L, V1638L.
Identifiers: ClinVar variation 2565326 (VCV002565326.5), dbSNP rs773907372, ClinGen allele CA357942143.

ClinVar aggregate classification (germline): Uncertain significance. Review status: criteria provided, multiple submitters, no conflicts (2 of 4 stars). 3 submissions from 3 submitters: Uncertain significance (3). Last evaluated 2025-09-05.

Conditions:
Cardiovascular phenotype. Identifiers: MedGen CN230736.
Long QT syndrome (LQTS). Identifiers: MedGen C0023976, MeSH D008133, MONDO:0002442. Disease mechanism: loss of function. Inheritance: Various modes of inheritance.

Submissions (3):

Labcorp Genetics (formerly Invitae), Labcorp
Classification: Uncertain significance for Long QT syndrome. Last evaluated: 2025-09-05. Review status: criteria provided, single submitter. Criteria: Invitae Variant Classification Sherloc (09022015). Collection method: clinical testing. Allele origin: germline.
Comment: This sequence change replaces valine, which is neutral and non-polar, with leucine, which is neutral and non-polar, at codon 3728 of the ANK2 protein (p.Val3728Leu). This variant is not present in population databases (gnomAD no frequency). This variant has not been reported in the literature in individuals affected with ANK2-related conditions. ClinVar contains an entry for this variant (Variation ID: 2565326). Invitae Evidence Modeling of protein sequence and biophysical properties (such as structural, functional, and spatial information, amino acid conservation, physicochemical variation, residue mobility, and thermodynamic stability) indicates that this missense variant is not expected to disrupt ANK2 protein function with a negative predictive value of 80%. In summary, the available evidence is currently insufficient to determine the role of this variant in disease. Therefore, it has been classified as a Variant of Uncertain Significance.

Ambry Genetics
Classification: Uncertain significance for Cardiovascular phenotype. Last evaluated: 2025-04-03. Review status: criteria provided, single submitter. Criteria: Ambry Variant Classification Scheme 2023. Collection method: clinical testing. Allele origin: germline.

GeneDx
Classification: Uncertain significance. Last evaluated: 2024-04-24. Review status: criteria provided, single submitter. Criteria: GeneDx Variant Classification Process June 2021. Collection method: clinical testing. Allele origin: germline. Affected: yes.
Comment: Not observed at significant frequency in large population cohorts (gnomAD); In silico analysis indicates that this missense variant does not alter protein structure/function; Has not been previously published as pathogenic or benign to our knowledge